The following is an entry in ClinVar:

NM_001166114.2(PNPLA6):c.1129C>A (p.Pro377Thr)

Gene: PNPLA6 (patatin like domain 6, lysophospholipase; plus strand). Cytogenetic location: 19p13.2.
Variant type: single nucleotide variant.
Coding change: c.1129C>A on transcript NM_001166114.2 (MANE Select); coding-DNA position 1129, C replaced by A.
Protein change: p.Pro377Thr; replaces proline 377 with threonine.
Molecular consequence: missense variant.
Genome position (GRCh38, 1-based): chr19:7,541,645, C>A. VCF-style: chr19-7541645-C-A. GRCh37 (hg19) VCF-style: chr19-7606531-C-A.
Other names: c.1156C>A, p.Pro386Thr (NM_001166111.2); c.1012C>A, p.Pro338Thr (NM_001166112.2, NM_001166113.1, NM_006702.5); short protein forms P377T, P386T, P338T.
Identifiers: ClinVar variation 2887137 (VCV002887137.7), dbSNP rs2023146866, ClinGen allele CA403109822.

ClinVar aggregate classification (germline): Uncertain significance. Review status: criteria provided, multiple submitters, no conflicts (2 of 4 stars). 2 submissions from 2 submitters: Uncertain significance (2). Last evaluated 2025-10-01.

Conditions:
Hereditary spastic paraplegia 39 (SPG39). Also called: SPASTIC PARAPLEGIA 39, AUTOSOMAL RECESSIVE; Spastic Paraplegia Type 39 (SPG39). Identifiers: Orphanet 139480, MedGen C2677586, MONDO:0012787, OMIM 612020.

Allele frequency attached by ClinVar (database versions not stated): TOPMed below 0.00001; gnomAD exomes 0.00001.
gnomAD v4.1: 4 of 1,580,764 alleles (0.00025%); highest among the groups gnomAD compares: Non-Finnish European, 0.00034%; no homozygotes.

Submissions (2):

CeGaT Center for Human Genetics Tuebingen
Classification: Uncertain significance. Last evaluated: 2025-10-01. Review status: criteria provided, single submitter. Criteria: CeGaT Center For Human Genetics Tuebingen Variant Classification Criteria Version 2. Collection method: clinical testing. Allele origin: germline. Affected: yes. Observed: 1 variant allele.
Comment: PNPLA6: PM2

Labcorp Genetics (formerly Invitae), Labcorp
Classification: Uncertain significance for Hereditary spastic paraplegia 39. Last evaluated: 2024-01-03. Review status: criteria provided, single submitter. Criteria: Invitae Variant Classification Sherloc (09022015). Collection method: clinical testing. Allele origin: germline.
Comment: This sequence change replaces proline, which is neutral and non-polar, with threonine, which is neutral and polar, at codon 338 of the PNPLA6 protein (p.Pro338Thr). This variant is not present in population databases (gnomAD no frequency). This variant has not been reported in the literature in individuals affected with PNPLA6-related conditions. Advanced modeling of protein sequence and biophysical properties (such as structural, functional, and spatial information, amino acid conservation, physicochemical variation, residue mobility, and thermodynamic stability) has been performed at Invitae for this missense variant, however the output from this modeling did not meet the statistical confidence thresholds required to predict the impact of this variant on PNPLA6 protein function. In summary, the available evidence is currently insufficient to determine the role of this variant in disease. Therefore, it has been classified as a Variant of Uncertain Significance.